The following is an entry in ClinVar:

NM_015656.2(KIF26A):c.4189C>T (p.Arg1397Ter)

Gene: KIF26A (kinesin family member 26A; plus strand). Cytogenetic location: 14q32.33.
Variant type: single nucleotide variant.
Coding change: c.4189C>T on transcript NM_015656.2 (MANE Select); coding-DNA position 4189, C replaced by T.
Protein change: p.Arg1397Ter; replaces arginine 1397 with a stop codon.
Molecular consequence: nonsense.
Genome position (GRCh38, 1-based): chr14:104,176,977, C>T. VCF-style: chr14-104176977-C-T. GRCh37 (hg19) VCF-style: chr14-104643314-C-T.
Other names: short protein forms R1397*.
Identifiers: ClinVar variation 4851789 (VCV004851789.1).
Genomic context (GRCh38, chr14:104,176,977, plus strand): 5'-CCGGCCTCGGCCCCTCCGCATGCTGTGAACCCGGCGCGGGTCGGGGCTGCTGCTGTCCTT[C>T]GAGGGGAGGAGGAGCCCAGACCCAGCAGCCGGGCTGACCACTCTGTCCCCAGGGCCACGT-3'

ClinVar aggregate classification (germline): Likely pathogenic (1 of 4 stars; one submission).

Submission:

Dasa
Classification: Likely pathogenic. Last evaluated: 2026-01-05. Review status: criteria provided, single submitter. Criteria: DASA Assertion Criteria. Collection method: clinical testing. Allele origin: germline.
Comment: NM_015656.2(KIF26A):c.4189C>T (p.Arg1397*) introduces a premature termination codon predicted to result in loss of normal protein function. Loss-of-function is an established mechanism of disease for this gene. The variant is present at low frequency in population datasets. Based on the available data, this variant is classified as likely pathogenic.